The following is an entry in ClinVar:

ClinVar aggregate classification (germline): Pathogenic (1 of 4 stars; one submission).

Conditions:
Familial cancer of breast. Also called: Hereditary breast cancer; BREAST CANCER, FAMILIAL; hereditary breast carcinoma. Identifiers: Orphanet 227535, MedGen C0346153, MONDO:0016419, OMIM 114480. Disease mechanism: loss of function.

Allele frequency attached by ClinVar (database versions not stated): gnomAD exomes below 0.00001; ExAC 0.00001.

Submission:

Myriad Genetics, Inc.
Classification: Pathogenic for Familial cancer of breast. Last evaluated: 2023-05-24. Review status: criteria provided, single submitter. Criteria: Myriad Autosomal Dominant, Autosomal Recessive and X-Linked Classification Criteria (2023). Collection method: clinical testing. Allele origin: unknown.
Comment: This variant is considered pathogenic. This variant creates a frameshift predicted to result in premature protein truncation.

NM_000465.4(BARD1):c.1819del (p.Val607fs)

Gene: BARD1 (BRCA1 associated RING domain 1; minus strand). Cytogenetic location: 2q35.
Variant type: Deletion.
Coding change: c.1819del on transcript NM_000465.4 (MANE Select); coding-DNA position 1819, one base deleted (G; older notation c.1819delG).
Protein change: p.Val607fs; shifts the reading frame from valine 607.
Molecular consequence: frameshift variant. On other transcripts: non-coding transcript variant (3), intron variant (1).
Genome position (GRCh38, 1-based): chr2:214,745,151, C deleted on the plus strand (G on the coding strand, the reverse complement: BARD1 is on the minus strand). VCF-style (leftmost placement, unchanged base first): chr2-214745150-AC-A. GRCh37 (hg19) VCF-style: chr2-215609874-AC-A.
Other names: c.1762del, p.Val588fs (NM_001282543.2); c.466del, p.Val156fs (NM_001282545.2); c.409del, p.Val137fs (NM_001282548.2); c.365-14643del (NM_001282549.2); short protein forms V137fs, V156fs, V588fs, V607fs.
Identifiers: ClinVar variation 2583554 (VCV002583554.2), dbSNP rs774883556, ClinGen allele CA2090155.